The following is an entry in ClinVar:

ClinVar aggregate classification (germline): Likely pathogenic (1 of 4 stars; one submission).

Conditions:
Intellectual developmental disorder with speech delay and axonal peripheral neuropathy. Identifiers: MedGen C5436813, MONDO:0030849, OMIM 619099.

Submission:

Dasa
Classification: Likely pathogenic for Intellectual developmental disorder with speech delay and axonal peripheral neuropathy. Last evaluated: 2025-12-03. Review status: criteria provided, single submitter. Criteria: DASA Assertion Criteria. Collection method: clinical testing. Allele origin: germline.
Comment: NM_004713.6(NEMF):c.539del (p.Gly180Valfs*4) is a frameshift variant in NEMF predicted to alter the reading frame and introduce a premature termination codon and is predicted to result in an absent or altered protein product. Loss of function is an established disease mechanism for NEMF-associated disorders. Also, this variant is absent from population databases. Based on the currently available evidence, this variant is classified as likely pathogenic.

NM_004713.6(NEMF):c.539del (p.Gly180fs)

Gene: NEMF (nuclear export mediator factor; minus strand). Cytogenetic location: 14q21.3.
Variant type: Deletion.
Coding change: c.539del on transcript NM_004713.6 (MANE Select); coding-DNA position 539, one base deleted (G; older notation c.539delG).
Protein change: p.Gly180fs; shifts the reading frame from glycine 180.
Molecular consequence: frameshift variant.
Genome position (GRCh38, 1-based): chr14:49,838,174, C deleted on the plus strand (G on the coding strand, the reverse complement: NEMF is on the minus strand); the first of 3 consecutive C bases (chr14:49,838,174-49,838,176); deleting any one gives the same sequence. VCF-style (leftmost placement, unchanged base first): chr14-49838173-AC-A. GRCh37 (hg19) VCF-style: chr14-50304891-AC-A.
Other names: c.539del, p.Gly180fs (NM_001301732.3); short protein forms G180fs.
Identifiers: ClinVar variation 4880608 (VCV004880608.2).